The following is an entry in ClinVar:

NM_032043.3(BRIP1):c.992T>A (p.Met331Lys)

Gene: BRIP1 (BRCA1 interacting DNA helicase 1; minus strand). Cytogenetic location: 17q23.2.
Variant type: single nucleotide variant.
Coding change: c.992T>A on transcript NM_032043.3 (MANE Select); coding-DNA position 992, T replaced by A.
Protein change: p.Met331Lys; replaces methionine 331 with lysine.
Molecular consequence: missense variant.
Genome position (GRCh38, 1-based): chr17:61,801,401, A>T on the plus strand (T>A on the coding strand, the complement: BRIP1 is on the minus strand). VCF-style: chr17-61801401-A-T. GRCh37 (hg19) VCF-style: chr17-59878762-A-T.
Other names: short protein forms M331K.
Identifiers: ClinVar variation 2950702 (VCV002950702.3), dbSNP rs587782771, ClinGen allele CA400484161.

ClinVar aggregate classification (germline): Uncertain significance (1 of 4 stars; one submission).

Conditions:
Fanconi anemia complementation group J. Also called: BRIP1-Related Fanconi Anemia. Identifiers: Orphanet 84, MedGen C1836860, MONDO:0012187, OMIM 609054.
Familial cancer of breast. Also called: BREAST CANCER, FAMILIAL; Hereditary breast cancer; hereditary breast carcinoma. Identifiers: Orphanet 227535, MedGen C0346153, MONDO:0016419, OMIM 114480. Disease mechanism: loss of function.

Allele frequency attached by ClinVar (database versions not stated): gnomAD exomes below 0.00001.
gnomAD v4.1: 1 of 1,614,024 alleles (0.000062%); highest among the groups gnomAD compares: Admixed American, 0.0017%; no homozygotes.

Submission:

Labcorp Genetics (formerly Invitae), Labcorp
Classification: Uncertain significance for Familial cancer of breast; Fanconi anemia complementation group J. Last evaluated: 2023-08-05. Review status: criteria provided, single submitter. Criteria: Invitae Variant Classification Sherloc (09022015). Collection method: clinical testing. Allele origin: germline.
Comment: This variant is present in population databases (no rsID available, gnomAD 0.003%). This variant has not been reported in the literature in individuals affected with BRIP1-related conditions. Advanced modeling of protein sequence and biophysical properties (such as structural, functional, and spatial information, amino acid conservation, physicochemical variation, residue mobility, and thermodynamic stability) performed at Invitae indicates that this missense variant is not expected to disrupt BRIP1 protein function. In summary, the available evidence is currently insufficient to determine the role of this variant in disease. Therefore, it has been classified as a Variant of Uncertain Significance. This sequence change replaces methionine, which is neutral and non-polar, with lysine, which is basic and polar, at codon 331 of the BRIP1 protein (p.Met331Lys).